The following is an entry in ClinVar:

ClinVar aggregate classification (germline): Conflicting classifications of pathogenicity. Review status: criteria provided, conflicting classifications (1 of 4 stars). 3 submissions from 3 submitters: Uncertain significance (2); Likely benign (1). Last evaluated 2025-02-04.

Conditions:
Hereditary cancer-predisposing syndrome. Also called: Hereditary neoplastic syndrome; Neoplastic Syndromes, Hereditary; Tumor predisposition; Hereditary Cancer Syndrome. Identifiers: Orphanet 140162, MedGen C0027672, MeSH D009386, MONDO:0015356.
Hereditary diffuse gastric adenocarcinoma (HDGC). Also called: DIFFUSE GASTRIC AND LOBULAR BREAST CANCER SYNDROME. Identifiers: Orphanet 26106, MedGen C1708349, MONDO:0007648, OMIM 137215.

Allele frequency attached by ClinVar (database versions not stated): TOPMed below 0.00001; gnomAD 0.00001.

Submissions (3):

Ambry Genetics
Classification: Likely benign for Hereditary cancer-predisposing syndrome. Last evaluated: 2025-02-04. Review status: criteria provided, single submitter. Criteria: Ambry Variant Classification Scheme 2023. Collection method: clinical testing. Allele origin: germline.

Labcorp Genetics (formerly Invitae), Labcorp
Classification: Uncertain significance for Hereditary diffuse gastric adenocarcinoma. Last evaluated: 2024-08-21. Review status: criteria provided, single submitter. Criteria: Invitae Variant Classification Sherloc (09022015). Collection method: clinical testing. Allele origin: germline.
Comment: This sequence change replaces valine, which is neutral and non-polar, with isoleucine, which is neutral and non-polar, at codon 51 of the CDH1 protein (p.Val51Ile). This variant is not present in population databases (gnomAD no frequency). This variant has not been reported in the literature in individuals affected with CDH1-related conditions. ClinVar contains an entry for this variant (Variation ID: 483266). An algorithm developed to predict the effect of missense changes on protein structure and function outputs the following: PolyPhen-2: "Benign". The isoleucine amino acid residue is found in multiple mammalian species, which suggests that this missense change does not adversely affect protein function. In summary, the available evidence is currently insufficient to determine the role of this variant in disease. Therefore, it has been classified as a Variant of Uncertain Significance.

GeneDx
Classification: Uncertain significance. Last evaluated: 2024-04-30. Review status: criteria provided, single submitter. Criteria: GeneDx Variant Classification Process June 2021. Collection method: clinical testing. Allele origin: germline. Affected: yes.
Comment: Not observed at significant frequency in large population cohorts (gnomAD); In silico analysis indicates that this missense variant does not alter protein structure/function; Has not been previously published as pathogenic or benign to our knowledge; This variant is associated with the following publications: (PMID: 15235021)

NM_004360.5(CDH1):c.151G>A (p.Val51Ile)

Gene: CDH1 (cadherin 1; plus strand). Cytogenetic location: 16q22.1.
Variant type: single nucleotide variant.
Coding change: c.151G>A on transcript NM_004360.5 (MANE Select); coding-DNA position 151, G replaced by A.
Protein change: p.Val51Ile; replaces valine 51 with isoleucine.
Molecular consequence: missense variant. On other transcripts: 5 prime UTR variant (2).
Genome position (GRCh38, 1-based): chr16:68,738,399, G>A. VCF-style: chr16-68738399-G-A. GRCh37 (hg19) VCF-style: chr16-68772302-G-A.
Other names: c.151G>A (LRG_301t1); c.151G>A, p.Val51Ile (NM_001317184.2); c.-1465G>A (NM_001317185.2); c.-1669G>A (NM_001317186.2); short protein forms V51I.
Identifiers: ClinVar variation 483266 (VCV000483266.10), dbSNP rs1555509780, ClinGen allele CA396452285.
Genomic context (GRCh38, chr16:68,738,399, plus strand): 5'-GGCTTTGACGCCGAGAGCTACACGTTCACGGTGCCCCGGCGCCACCTGGAGAGAGGCCGC[G>A]TCCTGGGCAGAGGTGAGGGCGCGCTGCCGGTGTCCCTGGGCGGAGTAGGGAGGGGTTGGA-3'
Protein context (NP_004351.1, residues 41-61): VPRRHLERGR[Val51Ile]LGRVNFEDCT